The following is an entry in ClinVar:

NM_001009944.3(PKD1):c.5254T>C (p.Trp1752Arg)

Gene: PKD1 (polycystin 1, transient receptor potential channel interacting; minus strand). Cytogenetic location: 16p13.3.
Variant type: single nucleotide variant.
Coding change: c.5254T>C on transcript NM_001009944.3 (MANE Select); coding-DNA position 5254, T replaced by C.
Protein change: p.Trp1752Arg; replaces tryptophan 1752 with arginine.
Molecular consequence: missense variant.
Genome position (GRCh38, 1-based): chr16:2,109,913, A>G on the plus strand (T>C on the coding strand, the complement: PKD1 is on the minus strand). VCF-style: chr16-2109913-A-G. GRCh37 (hg19) VCF-style: chr16-2159914-A-G.
Other names: c.5254T>C, p.Trp1752Arg (NM_000296.4); short protein forms W1752R.
Identifiers: ClinVar variation 1299748 (VCV001299748.2), dbSNP rs2151794130, ClinGen allele CA394377765.

ClinVar aggregate classification (germline): Uncertain significance (1 of 4 stars; one submission).

Conditions:
Polycystic kidney disease, adult type (PKD1). Also called: Polycystic Kidney Disease 1, Autosomal Dominant; Polycystic kidney disease 1; Polycystic kidney disease 1, severe; POLYCYSTIC KIDNEY DISEASE 1 WITH OR WITHOUT POLYCYSTIC LIVER DISEASE; POLYCYSTIC KIDNEY DISEASE, ADULT, TYPE I; Polycystic Kidney, Autosomal Dominant. Identifiers: MedGen C3149841, MONDO:0008263, OMIM 173900.

Submission:

Center for Human Genetics and Genomic Medicine, Uniklinik Rwth Aachen
Classification: Uncertain significance for Polycystic kidney disease, adult type. Last evaluated: 2021-10-14. Review status: criteria provided, single submitter. Criteria: ACMG Guidelines, 2015. Collection method: clinical testing. Allele origin: unknown. Inheritance: Autosomal dominant inheritance. Affected: yes. Observed: 1 heterozygote.
Comment: The detected change has not yet been reported in dbSNP151, gnomAD, ClinVar or in the literature. In the renowned PKD1 database, another change that affects the same codon is classified as “likely pathogenic”. In bioinformatics, the change is rated as “likely pathogenic” (CADDphred 23.2). Based on the current state of knowledge, the variant is to be classified as a "variant of unclear clinical significance" (ACMG criteria).